The following is an entry in ClinVar:

ClinVar aggregate classification (germline): Likely benign (1 of 4 stars; one submission).

Submission:

CeGaT Center for Human Genetics Tuebingen
Classification: Likely benign. Last evaluated: 2024-01-01. Review status: criteria provided, single submitter. Criteria: CeGaT Center For Human Genetics Tuebingen Variant Classification Criteria Version 2. Collection method: clinical testing. Allele origin: germline. Affected: yes. Observed: 1 variant allele.
Comment: CIT: BP4, BP7

NM_001206999.2(CIT):c.1210C>T (p.Leu404=)

Gene: CIT (citron rho-interacting serine/threonine kinase; minus strand). Cytogenetic location: 12q24.23.
Variant type: single nucleotide variant.
Coding change: c.1210C>T on transcript NM_001206999.2 (MANE Select); coding-DNA position 1210, C replaced by T.
Protein change: p.Leu404=; no amino-acid change (leucine 404 retained).
Molecular consequence: synonymous variant.
Genome position (GRCh38, 1-based): chr12:119,803,291, G>A on the plus strand (C>T on the coding strand, the complement: CIT is on the minus strand). VCF-style: chr12-119803291-G-A. GRCh37 (hg19) VCF-style: chr12-120241095-G-A.
Other names: c.1210C>T, p.Leu404= (NM_007174.3).
Identifiers: ClinVar variation 3027018 (VCV003027018.22), dbSNP rs1170341286, ClinGen allele CA482064423.